The following is an entry in ClinVar:

NM_005477.3(HCN4):c.584C>T (p.Ala195Val)

Gene: HCN4 (hyperpolarization activated cyclic nucleotide gated potassium channel 4; minus strand). Cytogenetic location: 15q24.1.
Variant type: single nucleotide variant.
Coding change: c.584C>T on transcript NM_005477.3 (MANE Select); coding-DNA position 584, C replaced by T.
Protein change: p.Ala195Val; replaces alanine 195 with valine.
Molecular consequence: missense variant.
Genome position (GRCh38, 1-based): chr15:73,367,687, G>A on the plus strand (C>T on the coding strand, the complement: HCN4 is on the minus strand). VCF-style: chr15-73367687-G-A. GRCh37 (hg19) VCF-style: chr15-73660028-G-A.
Other names: p.A195V:GCT>GTT; short protein forms A195V.
Identifiers: ClinVar variation 190788 (VCV000190788.24), dbSNP rs201375192, ClinGen allele CA235705.

ClinVar aggregate classification (germline): Conflicting classifications of pathogenicity. Review status: criteria provided, conflicting classifications (1 of 4 stars). 7 submissions from 7 submitters: Uncertain significance (1); Benign (1); Likely benign (5). Last evaluated 2026-09-21.

Conditions:
Cardiovascular phenotype. Identifiers: MedGen CN230736.
Sick sinus syndrome 2, autosomal dominant (SSS2). Also called: ATRIAL FIBRILLATION WITH BRADYARRHYTHMIA; SICK SINUS SYNDROME 2; SICK SINUS SYNDROME 2 WITH OR WITHOUT CARDIAC NONCOMPACTION AND/OR ASCENDING AORTA DILATION; SINUS BRADYCARDIA SYNDROME, FAMILIAL, AUTOSOMAL DOMINANT; SINUS NODE DISEASE, FAMILIAL, AUTOSOMAL DOMINANT. Identifiers: Orphanet 166282, MedGen C1834144, MONDO:0008102, OMIM 163800.
Brugada syndrome 8 (BRGDA8). Identifiers: Orphanet 130, MedGen C2751083, MONDO:0013148, OMIM 613123.

Allele frequency attached by ClinVar (database versions not stated): 1000 Genomes Project 30x 0.00062; gnomAD 0.00016 and 0.00011; TOPMed 0.00020; ExAC 0.00038; gnomAD exomes 0.00038 and 0.00009; 1000 Genomes Project 0.00080.
gnomAD v4.1: 168 of 1,601,942 alleles (0.01%); highest among the groups gnomAD compares: East Asian, 0.29%; 2 homozygotes.

Submissions (7):

Molecular Diagnostic Laboratory for Inherited Cardiovascular Disease, Montreal Heart Institute
Classification: Likely benign. Last evaluated: 2026-09-21. Review status: criteria provided, single submitter. Criteria: ACMG Guidelines, 2015. Collection method: clinical testing. Allele origin: germline. Affected: no.
Comment: BS1;BP4

Labcorp Genetics (formerly Invitae), Labcorp
Classification: Benign for Brugada syndrome 8. Last evaluated: 2026-01-14. Review status: criteria provided, single submitter. Criteria: Invitae Variant Classification Sherloc (09022015). Collection method: clinical testing. Allele origin: germline.

Blueprint Genetics
Classification: Likely benign. Last evaluated: 2023-05-03. Review status: criteria provided, single submitter. Criteria: ACMG Guidelines, 2015. Collection method: clinical testing. Allele origin: germline.

Ambry Genetics
Classification: Likely benign for Cardiovascular phenotype. Last evaluated: 2021-01-05. Review status: criteria provided, single submitter. Criteria: Ambry Variant Classification Scheme 2023. Collection method: clinical testing. Allele origin: germline.

GeneDx
Classification: Likely benign. Last evaluated: 2020-07-30. Review status: criteria provided, single submitter. Criteria: GeneDx Variant Classification Process June 2021. Collection method: clinical testing. Allele origin: germline. Affected: yes.
Comment: This variant is associated with the following publications: (PMID: 25642760, 30452770, 23623143, 23861362, 30578647, 31043699)

Illumina Laboratory Services, Illumina
Classification: Likely benign for Sick sinus syndrome 2, autosomal dominant. Last evaluated: 2017-06-14. Review status: criteria provided, single submitter. Criteria: ICSL Variant Classification Criteria 13 December 2019. Collection method: clinical testing. Allele origin: germline.
Comment: This variant was observed as part of a predisposition screen in an ostensibly healthy population. A literature search was performed for the gene, cDNA change, and amino acid change (where applicable). No publications were found based on this search. Allele frequency data from public databases allowed determination this variant is unlikely to cause disease. Therefore, this variant is classified as likely benign.

Biesecker Lab/Clinical Genomics Section, National Institutes of Health
Classification: Uncertain significance. Last evaluated: 2013-06-24. Review status: criteria provided, single submitter. Criteria: Ng et al. (Circ Cardiovasc Genet. 2013). Collection method: research. Allele origin: unknown. Observed: 1 variant allele. Study: ClinSeq.
Comment: The study set was not selected for affection status in relation to any cancer. Pathogenicity categories were based on literature curation. See Pubmed ID:23861362 for details.

Medical sequencing

Literature cited by the submitters: PubMed 23623143 (cited by Ambry Genetics); PubMed 23861362 (cited by Ambry Genetics); PubMed 30452770 (cited by Ambry Genetics); PubMed 31043699 (cited by Ambry Genetics).